The following is an entry in ClinVar:

ClinVar aggregate classification (germline): Uncertain significance (1 of 4 stars; one submission).

Submission:

GeneDx
Classification: Uncertain significance. Last evaluated: 2019-06-19. Review status: criteria provided, single submitter. Criteria: GeneDx Variant Classification Process June 2021. Collection method: clinical testing. Allele origin: germline. Affected: yes.
Comment: Not observed in large population cohorts (Lek et al., 2016); In silico analysis, which includes protein predictors and evolutionary conservation, supports a deleterious effect; Has not been previously published as pathogenic or benign to our knowledge

NM_001042424.3(NSD2):c.3381A>G (p.Ile1127Met)

Gene: NSD2 (nuclear receptor binding SET domain protein 2; plus strand). Cytogenetic location: 4p16.3.
Variant type: single nucleotide variant.
Coding change: c.3381A>G on transcript NM_001042424.3 (MANE Select); coding-DNA position 3381, A replaced by G.
Protein change: p.Ile1127Met; replaces isoleucine 1127 with methionine.
Molecular consequence: missense variant.
Genome position (GRCh38, 1-based): chr4:1,974,871, A>G. VCF-style: chr4-1974871-A-G. GRCh37 (hg19) VCF-style: chr4-1976598-A-G.
Other names: c.3381A>G, p.Ile1127Met (NM_133330.3, NM_133331.3, NM_133335.4); short protein forms I1127M.
Identifiers: ClinVar variation 1212962 (VCV001212962.3), dbSNP rs2109020351, ClinGen allele CA355999304.